The following is an entry in ClinVar:

NM_014780.5(CUL7):c.4443G>A (p.Ala1481=)

Gene: CUL7 (cullin 7; minus strand). Cytogenetic location: 6p21.1.
Variant type: single nucleotide variant.
Coding change: c.4443G>A on transcript NM_014780.5 (MANE Select); coding-DNA position 4443, G replaced by A.
Protein change: p.Ala1481=; no amino-acid change (alanine 1481 retained).
Molecular consequence: synonymous variant.
Genome position (GRCh38, 1-based): chr6:43,038,690, C>T on the plus strand (G>A on the coding strand, the complement: CUL7 is on the minus strand). VCF-style: chr6-43038690-C-T. GRCh37 (hg19) VCF-style: chr6-43006428-C-T.
Other names: c.4539G>A, p.Ala1513= (NM_001168370.2, NM_001374872.1); c.4443G>A, p.Ala1481= (NM_001374873.1); c.4440G>A, p.Ala1480= (NM_001374874.1).
Identifiers: ClinVar variation 356823 (VCV000356823.13), dbSNP rs572367422, ClinGen allele CA3813197.
Genomic context (GRCh38, chr6:43,038,690, plus strand): 5'-CGCCTGATTGAGCATGTCTGCGGAGAGCCCTGAGAACGCCAGCAGACTCTCCACAGAGAC[C>T]GCCTTCAGAGAACAGATGGGAGACATTCAGGGCCTCCCCAAGGAGTGGAGAGAAGAGGAT-3'
Protein context (NP_055595.2, residues 1471-1491): WLLLYLNDLK[Ala1481=]VSVESLLAFS

ClinVar aggregate classification (germline): Conflicting classifications of pathogenicity. Review status: criteria provided, conflicting classifications (1 of 4 stars). 3 submissions from 3 submitters: Uncertain significance (2); Likely benign (1). Last evaluated 2025-12-14.

Conditions:
3M syndrome 1. Also called: 3-M Syndrome, CUL7-Related. Identifiers: Orphanet 2616, MedGen C2678312, MONDO:0010117, OMIM 273750.

Allele frequency attached by ClinVar (database versions not stated): gnomAD exomes 0.00008 and 0.00009; TOPMed 0.00008; gnomAD 0.00009 and 0.00010; ExAC 0.00012; 1000 Genomes Project 0.00020; 1000 Genomes Project 30x 0.00031.
gnomAD v4.1: 127 of 1,614,010 alleles (0.0079%); highest among the groups gnomAD compares: Middle Eastern, 0.033%; no homozygotes.

Submissions (3):

Labcorp Genetics (formerly Invitae), Labcorp
Classification: Likely benign. Last evaluated: 2025-12-14. Review status: criteria provided, single submitter. Criteria: Invitae Variant Classification Sherloc (09022015). Collection method: clinical testing. Allele origin: germline.

Women's Health and Genetics/Laboratory Corporation of America, LabCorp
Classification: Uncertain significance. Last evaluated: 2024-07-12. Review status: criteria provided, single submitter. Criteria: LabCorp Variant Classification Summary - May 2015. Collection method: clinical testing. Allele origin: germline.
Comment: Variant summary: CUL7 c.4443G>A (p.Ala1481Ala) alters a non-conserved nucleotide located close to a canonical splice site and therefore could affect mRNA splicing, leading to a significantly altered protein sequence. Consensus agreement among computation tools predict no significant impact on normal splicing. However, these predictions have yet to be confirmed by functional studies. The variant allele was found at a frequency of 8.8e-05 in 251254 control chromosomes. This frequency is not significantly higher than estimated for a pathogenic variant in CUL7 causing Three M Syndrome 1 (8.8e-05 vs 0.0011), allowing no conclusion about variant significance. To our knowledge, no occurrence of c.4443G>A in individuals affected with Three M Syndrome 1 and no experimental evidence demonstrating its impact on protein function have been reported. ClinVar contains an entry for this variant (Variation ID: 356823). Based on the evidence outlined above, the variant was classified as uncertain significance.

Illumina Laboratory Services, Illumina
Classification: Uncertain significance for 3M syndrome 1. Last evaluated: 2018-01-13. Review status: criteria provided, single submitter. Criteria: ICSL Variant Classification Criteria 13 December 2019. Collection method: clinical testing. Allele origin: germline.